The following is an entry in ClinVar:

ClinVar aggregate classification (germline): Uncertain significance (1 of 4 stars; one submission).

Submission:

GeneDx
Classification: Uncertain significance. Last evaluated: 2026-04-02. Review status: criteria provided, single submitter. Criteria: GeneDx Variant Classification Process June 2021. Collection method: clinical testing. Allele origin: germline.
Comment: Not observed at significant frequency in large population cohorts (gnomAD); In silico analysis suggests that this missense variant does not alter protein structure/function; Has not been previously published as pathogenic or benign to our knowledge

NM_001378120.1(MBD5):c.483G>A (p.Met161Ile)

Gene: MBD5 (methyl-CpG binding domain protein 5; plus strand). Cytogenetic location: 2q23.1.
Variant type: single nucleotide variant.
Coding change: c.483G>A on transcript NM_001378120.1 (MANE Select); coding-DNA position 483, G replaced by A.
Protein change: p.Met161Ile; replaces methionine 161 with isoleucine.
Molecular consequence: missense variant.
Genome position (GRCh38, 1-based): chr2:148,468,426, G>A. VCF-style: chr2-148468426-G-A. GRCh37 (hg19) VCF-style: chr2-149225995-G-A.
Other names: c.483G>A, p.Met161Ile (NM_001438854.1, NM_001438855.1, NM_001438856.1 and 7 more transcripts); short protein forms M161I.
Identifiers: ClinVar variation 5016757 (VCV005016757.1).
Genomic context (GRCh38, chr2:148,468,426, plus strand): 5'-GGCAGCAACTCCAAGATCAGTAAGAAATAAGTCTCATGAAGGAATTACAAATTCTGTAAT[G>A]CCTGAATGTAAGAATCCTTTCAAGTTAATGATTGGATCATCAAATGCCATGGGAAGGCTA-3'
Protein context (NP_001365049.1, residues 151-171): KSHEGITNSV[Met161Ile]PECKNPFKLM